The following is an entry in ClinVar:

ClinVar aggregate classification (germline): Pathogenic (1 of 4 stars; one submission).

Conditions:
Developmental and epileptic encephalopathy, 1 (DEE1). Also called: INFANTILE SPASM SYNDROME, X-LINKED 1; X-linked infantile spasms; West's syndrome; Tonic spasms with clustering, arrest of psychomotor development and hypsarrhythmia on EEG; X-Linked Infantile Spasm Syndrome; OHTAHARA SYNDROME, X-LINKED. Identifiers: MedGen C3463992, MONDO:0010632, OMIM 308350. Disease mechanism: loss of function.

Submission:

Women's Health and Genetics/Laboratory Corporation of America, LabCorp
Classification: Pathogenic for Developmental and epileptic encephalopathy, 1. Last evaluated: 2023-12-15. Review status: criteria provided, single submitter. Criteria: LabCorp Variant Classification Summary - May 2015. Collection method: clinical testing. Allele origin: germline.
Comment: Variant summary: ARX c.451_464del14 (p.Ala151LeufsX82) results in a premature termination codon, predicted to cause absence of the protein due to nonsense mediated decay, which is a commonly known mechanism for disease. The variant was absent in 14421 control chromosomes. To our knowledge, no occurrence of c.451_464del14 in individuals affected with Developmental and epileptic encephalopathy and no experimental evidence demonstrating its impact on protein function have been reported. No submitters have cited clinical-significance assessments for this variant to ClinVar after 2014. Based on the evidence outlined above, the variant was classified as pathogenic.

NM_139058.3(ARX):c.451_464del (p.Ala151fs)

Genes: ARX (aristaless related homeobox; minus strand), LOC109610631 (aristaless related homeobox polyalanine expansion region; plus strand). Cytogenetic location: Xp21.3.
Variant type: Deletion.
Coding change: c.451_464del on transcript NM_139058.3 (MANE Select); coding-DNA positions 451 to 464, 14 bases deleted (GCGGCCGCCGCGGC).
Protein change: p.Ala151fs; shifts the reading frame from alanine 151.
Molecular consequence: frameshift variant.
Genome position (GRCh38, 1-based): chrX:25,013,531-25,013,544, GCCGCGGCGGCCGC deleted on the plus strand (GCGGCCGCCGCGGC on the coding strand, the reverse complement: ARX is on the minus strand); deleting any 14 consecutive bases within chrX:25,013,531-25,013,545 gives the same sequence; the c. name uses the placement nearest the transcript's 3' end. VCF-style (leftmost placement, unchanged base first): chrX-25013530-GGCCGCGGCGGCCGC-G. GRCh37 (hg19) VCF-style: chrX-25031647-GGCCGCGGCGGCCGC-G.
Other names: c.451_464del14 (NM_139058.3); short protein forms A151fs.
Identifiers: ClinVar variation 2691300 (VCV002691300.1), dbSNP rs2519107284, ClinGen allele CA2697553016.